The following is an entry in ClinVar:

ClinVar aggregate classification (germline): Uncertain significance (1 of 4 stars; one submission).

Submission:

Labcorp Genetics (formerly Invitae), Labcorp
Classification: Uncertain significance. Last evaluated: 2023-12-03. Review status: criteria provided, single submitter. Criteria: Invitae Variant Classification Sherloc (09022015). Collection method: clinical testing. Allele origin: unknown.
Comment: A copy number gain of the genomic region encompassing the full coding sequence of the KANK4 gene has been identified. The boundaries of this event are unknown as they extend beyond the assayed region for this gene and therefore may encompass additional genes. As the precise location of this event is unknown, it may be in tandem or it may be located elsewhere in the genome. This variant has not been reported in the literature in individuals affected with KANK4-related conditions. In summary, the available evidence is currently insufficient to determine the role of this variant in disease. Therefore, it has been classified as a Variant of Uncertain Significance.

NC_000001.10:g.(?_62703949)_(62747236_?)dup

Gene: KANK4 (KN motif and ankyrin repeat domains 4; minus strand). Cytogenetic location: 1p31.3.
Variant type: Duplication.
Identifiers: ClinVar variation 3248033 (VCV003248033.1).